The following is an entry in ClinVar:

NM_000516.7(GNAS):c.120G>A (p.Thr40=)

Gene: GNAS (GNAS complex locus; plus strand). Cytogenetic location: 20q13.32.
Variant type: single nucleotide variant.
Coding change: c.120G>A on transcript NM_000516.7 (MANE Select); coding-DNA position 120, G replaced by A.
Protein change: p.Thr40=; no amino-acid change (threonine 40 retained).
Molecular consequence: synonymous variant. On other transcripts: intron variant (6).
Genome position (GRCh38, 1-based): chr20:58,891,846, G>A. VCF-style: chr20-58891846-G-A. GRCh37 (hg19) VCF-style: chr20-57466901-G-A.
Other names: c.120G>A, p.Thr40= (NM_001077488.5, NM_001077489.4, NM_001309842.2 and 1 more transcripts); c.*43-3766G>A (NM_016592.5); c.-38-3766G>A (NM_001309861.2); c.*1-3766G>A (NM_001077490.3); c.2069-3766G>A (NM_080425.4); c.*159-3766G>A (NM_001309883.1); c.-39+2493G>A (NM_001309840.2).
Identifiers: ClinVar variation 743226 (VCV000743226.9), dbSNP rs1341300840, ClinGen allele CA746044566.

ClinVar aggregate classification (germline): Likely benign. Review status: criteria provided, single submitter (1 of 4 stars). 2 submissions from 2 submitters: Likely benign (1). 1 of the submissions does not count toward it. Last evaluated 2025-08-11.

Conditions:
GNAS-related disorder. Identifiers: MedGen CN380105.

Allele frequency attached by ClinVar (database versions not stated): TOPMed 0.00002; gnomAD 0.00003 and 0.00004.

Submissions (2):

Labcorp Genetics (formerly Invitae), Labcorp
Classification: Likely benign. Last evaluated: 2025-08-11. Review status: criteria provided, single submitter. Criteria: Invitae Variant Classification Sherloc (09022015). Collection method: clinical testing. Allele origin: germline.

PreventionGenetics, part of Exact Sciences
Classification: Likely benign for GNAS-related condition. Last evaluated: 2021-08-08. Review status: no assertion criteria provided. Collection method: clinical testing. Allele origin: germline. Not counted in ClinVar's aggregate classification.
Comment: This variant is classified as likely benign based on ACMG/AMP sequence variant interpretation guidelines (Richards et al. 2015 PMID: 25741868, with internal and published modifications).